The following is an entry in ClinVar:

ClinVar aggregate classification (germline): Pathogenic (1 of 4 stars; one submission).

Conditions:
Leber congenital amaurosis 1 (LCA1). Also called: RETINAL BLINDNESS, CONGENITAL; AMAUROSIS CONGENITA OF LEBER I; Congenital absence of the rods and cones; Leber's congenital tapetoretinal degeneration; Leber's congenital tapetoretinal dysplasia. Identifiers: Orphanet 65, MedGen C2931258, MONDO:0008764, OMIM 204000.
Cone-rod dystrophy 6 (CORD6). Also called: RETINAL CONE DYSTROPHY 2; Cone dystrophy progressive. Identifiers: Orphanet 1872, MedGen C1866293, MONDO:0011143, OMIM 601777.

Submission:

Labcorp Genetics (formerly Invitae), Labcorp
Classification: Pathogenic for Leber congenital amaurosis 1; Cone-rod dystrophy 6. Last evaluated: 2024-08-12. Review status: criteria provided, single submitter. Criteria: Invitae Variant Classification Sherloc (09022015). Collection method: clinical testing. Allele origin: germline.
Comment: This sequence change creates a premature translational stop signal (p.Gln758*) in the GUCY2D gene. It is expected to result in an absent or disrupted protein product. Loss-of-function variants in GUCY2D are known to be pathogenic (PMID: 10951519, 11328726). This variant is not present in population databases (gnomAD no frequency). This variant has not been reported in the literature in individuals affected with GUCY2D-related conditions. Algorithms developed to predict the effect of sequence changes on RNA splicing suggest that this variant may disrupt the consensus splice site. For these reasons, this variant has been classified as Pathogenic.

Literature cited by the submitters: PubMed 10951519; PubMed 11328726.

NM_000180.4(GUCY2D):c.2272C>T (p.Gln758Ter)

Gene: GUCY2D (guanylate cyclase 2D, retinal; plus strand). Cytogenetic location: 17p13.1.
Variant type: single nucleotide variant.
Coding change: c.2272C>T on transcript NM_000180.4 (MANE Select); coding-DNA position 2272, C replaced by T.
Protein change: p.Gln758Ter; replaces glutamine 758 with a stop codon.
Molecular consequence: nonsense.
Genome position (GRCh38, 1-based): chr17:8,013,888, C>T. VCF-style: chr17-8013888-C-T. GRCh37 (hg19) VCF-style: chr17-7917206-C-T.
Other names: short protein forms Q758*.
Identifiers: ClinVar variation 3757639 (VCV003757639.2).